The following is an entry in ClinVar:

NM_022552.5(DNMT3A):c.1015-3C>G

Gene: DNMT3A (DNA methyltransferase 3 alpha; minus strand). Cytogenetic location: 2p23.3.
Variant type: single nucleotide variant.
Coding change: c.1015-3C>G on transcript NM_022552.5 (MANE Select); 3 bases into the intron before coding-DNA position 1015, C replaced by G.
Molecular consequence: intron variant.
Genome position (GRCh38, 1-based): chr2:25,247,161, G>C on the plus strand (C>G on the coding strand, the complement: DNMT3A is on the minus strand). VCF-style: chr2-25247161-G-C. GRCh37 (hg19) VCF-style: chr2-25470030-G-C.
Other names: c.1015-3C>G (NM_175629.2); c.448-3C>G (NM_153759.3); c.559-3C>G (NM_001320893.1); c.346-3C>G (NM_001375819.1).
Identifiers: ClinVar variation 4738933 (VCV004738933.1).

ClinVar aggregate classification (germline): Uncertain significance (1 of 4 stars; one submission).

Conditions:
Tatton-Brown-Rahman overgrowth syndrome. Also called: Tall stature-intellectual disability-facial dysmorphism syndrome; Tatton-Brown-Rahman syndrome. Identifiers: Orphanet 404443, MedGen C4014545, MONDO:0014382, OMIM 615879.

gnomAD v4.1: 2 of 1,613,390 alleles (0.00012%); highest among the groups gnomAD compares: Non-Finnish European, 0.00017%; no homozygotes.

Submission:

Labcorp Genetics (formerly Invitae), Labcorp
Classification: Uncertain significance for Tatton-Brown-Rahman overgrowth syndrome. Last evaluated: 2025-10-16. Review status: criteria provided, single submitter. Criteria: Invitae Variant Classification Sherloc (09022015). Collection method: clinical testing. Allele origin: germline.
Comment: This sequence change falls in intron 8 of the DNMT3A gene. It does not directly change the encoded amino acid sequence of the DNMT3A protein. It affects a nucleotide within the consensus splice site. This variant is present in population databases (no rsID available, gnomAD 0.0009%). This variant has been observed in individual(s) with autism (PMID: 35982159, 35982160). This variant is also known as 2:25247161:G:C. Variants that disrupt the consensus splice site are a relatively common cause of aberrant splicing (PMID: 17576681, 9536098). Algorithms developed to predict the effect of sequence changes on RNA splicing suggest that this variant may disrupt the consensus splice site. In summary, the available evidence is currently insufficient to determine the role of this variant in disease. Therefore, it has been classified as a Variant of Uncertain Significance.

Literature cited by the submitters: PubMed 35982159; PubMed 35982160; PubMed 17576681; PubMed 9536098.